The following is an entry in ClinVar:

ClinVar aggregate classification (germline): Likely benign (1 of 4 stars; one submission).

Conditions:
Birt-Hogg-Dube syndrome 1 (BHD1). Also called: FIBROFOLLICULOMAS WITH TRICHODISCOMAS AND ACROCHORDONS. Identifiers: Orphanet 122, MedGen CN375946, MONDO:0800445, OMIM 135150.

Submission:

Myriad Genetics, Inc.
Classification: Likely benign for Birt-Hogg-Dube syndrome 1. Last evaluated: 2024-10-22. Review status: criteria provided, single submitter. Criteria: Myriad Autosomal Dominant, Autosomal Recessive and X-Linked Classification Criteria (2023). Collection method: clinical testing. Allele origin: unknown.
Comment: This variant is considered likely benign. This variant is intronic and is not expected to impact mRNA splicing.

NM_144997.7(FLCN):c.397-14_397-10delinsTGGTA

Gene: FLCN (folliculin; minus strand). Cytogenetic location: 17p11.2.
Variant type: Indel.
Coding change: c.397-14_397-10delinsTGGTA on transcript NM_144997.7 (MANE Select); 14 bases into the intron before coding-DNA position 397 through 10 bases into the intron before coding-DNA position 397, CGGTG replaced by TGGTA.
Molecular consequence: intron variant.
Genome position (GRCh38, 1-based): chr17:17,224,153-17,224,157, CACCG replaced by TACCA on the plus strand (CGGTG replaced by TGGTA on the coding strand, the reverse complement: FLCN is on the minus strand). VCF-style: chr17-17224153-CACCG-TACCA. GRCh37 (hg19) VCF-style: chr17-17127467-CACCG-TACCA.
Other names: c.397-14_397-10delinsTGGTA (NM_001353231.2, NM_001353230.2, NM_144606.7); c.451-14_451-10delinsTGGTA (NM_001353229.2).
Identifiers: ClinVar variation 3773295 (VCV003773295.1).
Genomic context (GRCh38, chr17:17,224,153, plus strand): 5'-GCCGTGCTGCTCATCTCCGAAGAAGATGGGGCCTTCACGGCCAGGGCAGACCTGGAGGGA[CACCG>TACCA]GCGACTCAGACAGCCCTTTCCTCGCTTAGTGACACCAAATCAAAGCCTCTTCTTCAGACT-3'